The following is an entry in ClinVar:

ClinVar aggregate classification (germline): Likely pathogenic (3 of 4 stars; one submission).

Conditions:
Glanzmann thrombasthenia. Also called: THROMBASTHENIA OF GLANZMANN AND NAEGELI; PLATELET GLYCOPROTEIN IIb-IIIa DEFICIENCY; Thrombasthenia; Glanzmann's thrombasthenia. Identifiers: Orphanet 849, MedGen C0040015, MONDO:0100326.

Submission:

ClinGen Platelet Disorders Variant Curation Expert Panel, ClinGen
Classification: Likely pathogenic for Glanzmann thrombasthenia. Last evaluated: 2026-01-20. Review status: reviewed by expert panel. Criteria: ClinGen Platelet ACMG Specifications v2-1. Collection method: curation. Allele origin: germline. Inheritance: Autosomal recessive inheritance.
Comment: The NM_000419.5(ITGA2B):c.1429G>C (p.Ala477Pro) missense variant was detected in a patient with GT (PMID 15946231) with epistaxis, gingival bleeding, and purpura. This variant is absent from the gnomAD database v2.1.1 (PM2_Supporting). This variant was detected in the homozygous state in a patient with GT (PMID 15946231; PM3_supporting). Transfected CHO cells were used to measure the surface expression of normal and mutant αIIbβ3 receptors was performed using MoAb SZ22; only 14% expression was noted (PS3_Moderate). This variant was identified in a patient (PMID 15946231) with recurrent epistaxis, gingival hemorrhage, and purpura. They demonstrated a normal platelet count, prolonged bleeding time, and absence of platelet aggregation in response to adenosine diphosphate (ADP), epinephrine, and collagen; In summary, this variant meets the criteria to be classified as likely pathogenic for autosomal recessive Glanzmann Thrombasthenia based on the ACMG/AMP criteria applied, as specified by the ClinGen PD VCEP: PP4_Moderate, PS3_Moderate, PM2_supporting, PM3_supporting.

Literature cited by the submitters: PubMed 19734576.

NM_000419.5(ITGA2B):c.1429G>C (p.Ala477Pro)

Gene: ITGA2B (integrin subunit alpha 2b; minus strand). Cytogenetic location: 17q21.31.
Variant type: single nucleotide variant.
Coding change: c.1429G>C on transcript NM_000419.5 (MANE Select); coding-DNA position 1429, G replaced by C.
Protein change: p.Ala477Pro; replaces alanine 477 with proline.
Molecular consequence: missense variant.
Genome position (GRCh38, 1-based): chr17:44,380,610, C>G on the plus strand (G>C on the coding strand, the complement: ITGA2B is on the minus strand). VCF-style: chr17-44380610-C-G. GRCh37 (hg19) VCF-style: chr17-42457978-C-G.
Other names: NM_000419.5:c.1429G>C; short protein forms A477P.
Identifiers: ClinVar variation 2506407 (VCV002506407.2), dbSNP rs2510080068, ClinGen allele CA399803370.